The following is an entry in ClinVar:

ClinVar aggregate classification (germline): Likely benign. Review status: criteria provided, multiple submitters, no conflicts (2 of 4 stars). 2 submissions from 2 submitters: Likely benign (2). Last evaluated 2025-08-01.

Allele frequency attached by ClinVar (database versions not stated): gnomAD exomes below 0.00001; ExAC 0.00001; gnomAD 0.00001.
gnomAD v4.1: 3 of 1,613,908 alleles (0.00019%); highest among the groups gnomAD compares: Non-Finnish European, 0.00017%; no homozygotes.

Submissions (2):

CeGaT Center for Human Genetics Tuebingen
Classification: Likely benign. Last evaluated: 2025-08-01. Review status: criteria provided, single submitter. Criteria: CeGaT Center For Human Genetics Tuebingen Variant Classification Criteria Version 2. Collection method: clinical testing. Allele origin: germline. Affected: yes. Observed: 1 variant allele.
Comment: MYO6: BP4, BP7

Labcorp Genetics (formerly Invitae), Labcorp
Classification: Likely benign. Last evaluated: 2021-08-18. Review status: criteria provided, single submitter. Criteria: Invitae Variant Classification Sherloc (09022015). Collection method: clinical testing. Allele origin: germline.

NM_004999.4(MYO6):c.2337G>A (p.Glu779=)

Gene: MYO6 (myosin VI; plus strand). Cytogenetic location: 6q14.1.
Variant type: single nucleotide variant.
Coding change: c.2337G>A on transcript NM_004999.4 (MANE Select); coding-DNA position 2337, G replaced by A.
Protein change: p.Glu779=; no amino-acid change (glutamic acid 779 retained).
Molecular consequence: synonymous variant. On other transcripts: non-coding transcript variant (1).
Genome position (GRCh38, 1-based): chr6:75,881,739, G>A. VCF-style: chr6-75881739-G-A. GRCh37 (hg19) VCF-style: chr6-76591456-G-A.
Other names: c.2337G>A, p.Glu779= (NM_001300899.2, NM_001368136.1, NM_001368137.1 and 2 more transcripts); c.2322G>A, p.Glu774= (NM_001368138.1).
Identifiers: ClinVar variation 1542879 (VCV001542879.16), dbSNP rs762207024, ClinGen allele CA3897351.